The following is an entry in ClinVar:

NM_000368.5(TSC1):c.978_988del (p.Pro327fs)

Gene: TSC1 (TSC complex subunit 1; minus strand). Cytogenetic location: 9q34.13.
Variant type: Deletion.
Coding change: c.978_988del on transcript NM_000368.5 (MANE Select); coding-DNA positions 978 to 988, 11 bases deleted (ACCTCAGACTC).
Protein change: p.Pro327fs; shifts the reading frame from proline 327.
Molecular consequence: frameshift variant. On other transcripts: 5 prime UTR variant (2), non-coding transcript variant (5).
Genome position (GRCh38, 1-based): chr9:132,911,494-132,911,504, GAGTCTGAGGT deleted on the plus strand (ACCTCAGACTC on the coding strand, the reverse complement: TSC1 is on the minus strand). VCF-style (leftmost placement, unchanged base first): chr9-132911493-AGAGTCTGAGGT-A. GRCh37 (hg19) VCF-style: chr9-135786880-AGAGTCTGAGGT-A.
Other names: c.978_988del, p.Pro327fs (NM_001162426.2, NM_001406592.1, NM_001406593.1 and 16 more transcripts); c.825_835del, p.Pro276fs (NM_001162427.2, NM_001406610.1, NM_001406611.1 and 2 more transcripts); c.615_625del, p.Pro206fs (NM_001362177.2, NM_001406614.1, NM_001406615.1 and 10 more transcripts); c.27_37del, p.Pro10fs (NM_001406626.1, NM_001406627.1, NM_001406628.1); c.-116_-106del (NM_001406629.1, NM_001406630.1); short protein forms P206fs, P327fs, P10fs, P276fs.
Identifiers: ClinVar variation 2844581 (VCV002844581.3), dbSNP rs2538867899, ClinGen allele CA2739264821.
Genomic context (GRCh38, chr9:132,911,493, plus strand): 5'-CACACTAGTTGACACCATACTTGTGGTGGTTCAGTTATCAGCCGTGTCGATGGGGAACTC[AGAGTCTGAGGT>A]AGCTGCCCTGGCATATTTAACAACATCAGCCGAGACGTGGAGTAAGGGGTAGAAGTAGCA-3'

ClinVar aggregate classification (germline): Pathogenic (1 of 4 stars; one submission).

Conditions:
Tuberous sclerosis 1 (TSC1). Identifiers: Orphanet 805, MedGen C1854465, MONDO:0008612, OMIM 191100.

Submission:

Labcorp Genetics (formerly Invitae), Labcorp
Classification: Pathogenic for Tuberous sclerosis 1. Last evaluated: 2023-03-09. Review status: criteria provided, single submitter. Criteria: Invitae Variant Classification Sherloc (09022015). Collection method: clinical testing. Allele origin: germline.
Comment: For these reasons, this variant has been classified as Pathogenic. This variant has not been reported in the literature in individuals affected with TSC1-related conditions. This variant is not present in population databases (gnomAD no frequency). This sequence change creates a premature translational stop signal (p.Pro327Glufs*10) in the TSC1 gene. It is expected to result in an absent or disrupted protein product. Loss-of-function variants in TSC1 are known to be pathogenic (PMID: 10227394, 17304050).

Literature cited by the submitters: PubMed 10227394; PubMed 17304050.